The following is an entry in ClinVar:

NM_033100.4(CDHR1):c.1016T>C (p.Val339Ala)

Gene: CDHR1 (cadherin related family member 1; plus strand). Cytogenetic location: 10q23.1.
Variant type: single nucleotide variant.
Coding change: c.1016T>C on transcript NM_033100.4 (MANE Select); coding-DNA position 1016, T replaced by C.
Protein change: p.Val339Ala; replaces valine 339 with alanine.
Molecular consequence: missense variant.
Genome position (GRCh38, 1-based): chr10:84,208,226, T>C. VCF-style: chr10-84208226-T-C. GRCh37 (hg19) VCF-style: chr10-85967982-T-C.
Other names: c.1016T>C, p.Val339Ala (NM_001171971.3); c.1016T>C (NM_033100.2); short protein forms V339A.
Identifiers: ClinVar variation 2007457 (VCV002007457.5), dbSNP rs2492519565, ClinGen allele CA377374408.

ClinVar aggregate classification (germline): Uncertain significance. Review status: criteria provided, multiple submitters, no conflicts (2 of 4 stars). 2 submissions from 2 submitters: Uncertain significance (2). Last evaluated 2024-08-01.

Conditions:
Inborn genetic diseases. Identifiers: MedGen C0950123, MeSH D030342.

gnomAD v4.1: 1 of 1,614,122 alleles (0.000062%); highest among the groups gnomAD compares: Non-Finnish European, 0.000085%; no homozygotes.

Submissions (2):

Ambry Genetics
Classification: Uncertain significance for Inborn genetic diseases. Last evaluated: 2024-08-01. Review status: criteria provided, single submitter. Criteria: Ambry Variant Classification Scheme 2023. Collection method: clinical testing. Allele origin: germline.

Labcorp Genetics (formerly Invitae), Labcorp
Classification: Uncertain significance. Last evaluated: 2022-06-16. Review status: criteria provided, single submitter. Criteria: Invitae Variant Classification Sherloc (09022015). Collection method: clinical testing. Allele origin: germline.
Comment: In summary, the available evidence is currently insufficient to determine the role of this variant in disease. Therefore, it has been classified as a Variant of Uncertain Significance. Advanced modeling of protein sequence and biophysical properties (such as structural, functional, and spatial information, amino acid conservation, physicochemical variation, residue mobility, and thermodynamic stability) performed at Invitae indicates that this missense variant is not expected to disrupt CDHR1 protein function. This variant has not been reported in the literature in individuals affected with CDHR1-related conditions. This variant is not present in population databases (gnomAD no frequency). This sequence change replaces valine, which is neutral and non-polar, with alanine, which is neutral and non-polar, at codon 339 of the CDHR1 protein (p.Val339Ala).